The following is an entry in ClinVar:

ClinVar aggregate classification (germline): Likely pathogenic (1 of 4 stars; one submission).

Conditions:
Autosomal recessive polycystic kidney disease (ARPKD). Also called: AR polycystic kidney disease. Identifiers: Orphanet 731, Orphanet 8378, MedGen C0085548, MeSH D017044, MONDO:0009889.

Submission:

Natera, Inc.
Classification: Likely pathogenic for Autosomal recessive polycystic kidney disease. Last evaluated: 2025-12-05. Review status: criteria provided, single submitter. Criteria: Natera Variant Classification Schema (03/2026). Collection method: clinical testing. Allele origin: germline.
Comment: The c.7487-1G>A variant in PKHD1 is a canonical splice acceptor site variant predicted to affect pre-mRNA splicing, which may result in an abnormal transcript and altered protein product. This variant is expected to result in nonsense mediated decay, truncation, or a dysfunctional protein product. This variant is rare in the general population with a frequency below the threshold expected for the associated phenotype(s). Given the available evidence, this variant is classified as Likely Pathogenic.

NM_138694.4(PKHD1):c.7487-1G>A

Gene: PKHD1 (PKHD1 ciliary IPT domain containing fibrocystin/polyductin; minus strand). Cytogenetic location: 6p12.2.
Variant type: single nucleotide variant.
Coding change: c.7487-1G>A on transcript NM_138694.4 (MANE Select); the canonical splice acceptor site of the intron before coding-DNA position 7487, G replaced by A.
Molecular consequence: splice acceptor variant.
Genome position (GRCh38, 1-based): chr6:51,868,110, C>T on the plus strand (G>A on the coding strand, the complement: PKHD1 is on the minus strand). VCF-style: chr6-51868110-C-T. GRCh37 (hg19) VCF-style: chr6-51732908-C-T.
Other names: c.7487-1G>A (NM_170724.3).
Identifiers: ClinVar variation 4816746 (VCV004816746.1).